The following is an entry in ClinVar:

NM_000814.6(GABRB3):c.147C>G (p.Asp49Glu)

Gene: GABRB3 (gamma-aminobutyric acid type A receptor subunit beta3; minus strand). Cytogenetic location: 15q12.
Variant type: single nucleotide variant.
Coding change: c.147C>G on transcript NM_000814.6 (MANE Select); coding-DNA position 147, C replaced by G.
Protein change: p.Asp49Glu; replaces aspartic acid 49 with glutamic acid.
Molecular consequence: missense variant. On other transcripts: 5 prime UTR variant (1).
Genome position (GRCh38, 1-based): chr15:26,772,706, G>C on the plus strand (C>G on the coding strand, the complement: GABRB3 is on the minus strand). VCF-style: chr15-26772706-G-C. GRCh37 (hg19) VCF-style: chr15-27017853-G-C.
Other names: c.-205C>G (NM_001278631.2); c.147C>G, p.Asp49Glu (NM_021912.5); short protein forms D49E.
Identifiers: ClinVar variation 834156 (VCV000834156.10), dbSNP rs557694936, ClinGen allele CA391465382.
Genomic context (GRCh38, chr15:26,772,706, plus strand): 5'-GCGCTTCCCGCAACGGCCGCGCGCAGCCCACTTACCCCCGAAGTCGGGTCTTAGGCGAAT[G>C]TCGTAGCCTTTCAACAGCTTGTCCACCGTCTCCTTCACAAAGGACATGTTCCCGGGATCG-3'
Protein context (NP_000805.1, residues 39-59): ETVDKLLKGY[Asp49Glu]IRLRPDFGGP

ClinVar aggregate classification (germline): Uncertain significance. Review status: criteria provided, multiple submitters, no conflicts (2 of 4 stars). 2 submissions from 2 submitters: Uncertain significance (2). Last evaluated 2025-05-20.

Conditions:
Epilepsy, childhood absence, susceptibility to, 1. Also called: Epilepsy, childhood absence 1. Identifiers: Orphanet 64280, MedGen C1838604, MONDO:0020759, OMIM 600131.
Epilepsy, childhood absence, susceptibility to, 5. Identifiers: Orphanet 64280, MedGen C2677087, MONDO:0012843, OMIM 612269.

Submissions (2):

GeneDx
Classification: Uncertain significance. Last evaluated: 2025-05-20. Review status: criteria provided, single submitter. Criteria: GeneDx Variant Classification Process June 2021. Collection method: clinical testing. Allele origin: germline. Affected: yes.
Comment: Not observed at significant frequency in large population cohorts (gnomAD); In silico analysis supports that this missense variant has a deleterious effect on protein structure/function; Has not been previously published as pathogenic or benign to our knowledge

Labcorp Genetics (formerly Invitae), Labcorp
Classification: Uncertain significance for Epilepsy, childhood absence, susceptibility to, 5; Epilepsy, childhood absence, susceptibility to, 1. Last evaluated: 2019-01-26. Review status: criteria provided, single submitter. Criteria: Invitae Variant Classification Sherloc (09022015). Collection method: clinical testing. Allele origin: germline.
Comment: This sequence change replaces aspartic acid with glutamic acid at codon 49 of the GABRB3 protein (p.Asp49Glu). The aspartic acid residue is moderately conserved and there is a small physicochemical difference between aspartic acid and glutamic acid. This variant is not present in population databases (ExAC no frequency). This variant has not been reported in the literature in individuals with GABRB3-related conditions. Algorithms developed to predict the effect of missense changes on protein structure and function are either unavailable or do not agree on the potential impact of this missense change (SIFT: "Deleterious"; PolyPhen-2: "Possibly Damaging"; Align-GVGD: "Class C0"). In summary, the available evidence is currently insufficient to determine the role of this variant in disease. Therefore, it has been classified as a Variant of Uncertain Significance.